The following is an entry in ClinVar:

NM_000110.4(DPYD):c.623G>T (p.Arg208Leu)

Gene: DPYD (dihydropyrimidine dehydrogenase; minus strand). Cytogenetic location: 1p21.3.
Variant type: single nucleotide variant.
Coding change: c.623G>T on transcript NM_000110.4 (MANE Select); coding-DNA position 623, G replaced by T.
Protein change: p.Arg208Leu; replaces arginine 208 with leucine.
Molecular consequence: missense variant.
Genome position (GRCh38, 1-based): chr1:97,699,408, C>A on the plus strand (G>T on the coding strand, the complement: DPYD is on the minus strand). VCF-style: chr1-97699408-C-A. GRCh37 (hg19) VCF-style: chr1-98164964-C-A.
Other names: short protein forms R208L.
Identifiers: ClinVar variation 806173 (VCV000806173.50), dbSNP rs376073289, ClinGen allele CA963605.

ClinVar aggregate classification (germline): Uncertain significance. Review status: criteria provided, multiple submitters, no conflicts (2 of 4 stars). 5 submissions from 5 submitters: Uncertain significance (5). Last evaluated 2024-03-14.

Conditions:
Inborn genetic diseases. Identifiers: MedGen C0950123, MeSH D030342.
Dihydropyrimidine dehydrogenase deficiency (DPYDD). Also called: DPD DEFICIENCY; DPYD DEFICIENCY; Hereditary Thymine-Uraciluria. Identifiers: Orphanet 1675, MedGen C1959620, MONDO:0010130, OMIM 274270.

Allele frequency attached by ClinVar (database versions not stated): TOPMed 0.00002.
gnomAD v4.1: 27 of 1,613,494 alleles (0.0017%); highest among the groups gnomAD compares: Non-Finnish European, 0.0023%; no homozygotes.

Submissions (5):

Blueprint Genetics
Classification: Uncertain significance. Last evaluated: 2024-03-14. Review status: criteria provided, single submitter. Criteria: ACMG Guidelines, 2015. Collection method: clinical testing. Allele origin: germline.

Genome-Nilou Lab
Classification: Uncertain significance for Dihydropyrimidine dehydrogenase deficiency. Last evaluated: 2023-04-11. Review status: criteria provided, single submitter. Criteria: ACMG Guidelines, 2015. Collection method: clinical testing. Allele origin: germline. Affected: no.

Ambry Genetics
Classification: Uncertain significance for Inborn genetic diseases. Last evaluated: 2022-01-21. Review status: criteria provided, single submitter. Criteria: Ambry Variant Classification Scheme 2023. Collection method: clinical testing. Allele origin: germline.

CeGaT Center for Human Genetics Tuebingen
Classification: Uncertain significance. Last evaluated: 2019-01-01. Review status: criteria provided, single submitter. Criteria: CeGaT Center For Human Genetics Tuebingen Variant Classification Criteria Version 2. Collection method: clinical testing. Allele origin: germline. Affected: yes. Observed: 1 variant allele.

Illumina Laboratory Services, Illumina
Classification: Uncertain significance for Dihydropyrimidine dehydrogenase deficiency. Last evaluated: 2017-04-27. Review status: criteria provided, single submitter. Criteria: ICSL Variant Classification Criteria 13 December 2019. Collection method: clinical testing. Allele origin: germline.
Comment: This variant was observed as part of a predisposition screen in an ostensibly healthy population. A literature search was performed for the gene, cDNA change, and amino acid change (where applicable). Publications were found based on this search. However, the evidence from the literature, in combination with allele frequency data from public databases where available, was not sufficient to rule this variant in or out of causing disease. Therefore, this variant is classified as a variant of unknown significance.

Literature cited by the submitters: PubMed 24923815 (cited by Illumina Laboratory Services, Illumina).